The following is an entry in ClinVar:

ClinVar aggregate classification (germline): Pathogenic (1 of 4 stars; one submission).

Conditions:
Mucopolysaccharidosis, MPS-II (MPS2). Also called: Hunter Syndrome; IDURONATE 2-SULFATASE DEFICIENCY; Mucopolysaccharidosis Type II; Mucopolysaccharidosis type 2; Attenuated MPS (subtype; formerly known as mild MPS II); Severe MPS II. Identifiers: Orphanet 580, Orphanet 79388, MedGen C0026705, MONDO:0010674, OMIM 309900.

Submission:

Laboratory of Diagnosis and Therapy of Lysosomal Disorders, University of Padova
Classification: Pathogenic for Mucopolysaccharidosis, MPS-II. Last evaluated: 2024-06-07. Review status: criteria provided, single submitter. Criteria: ACMG Guidelines, 2015. Collection method: literature only. Allele origin: germline. Affected: yes. Observed: 1 variant allele.
Comment: Null variant (PVS1_Strong), Absent from controls (or at low frequency) in gnomAD database (PM2_Moderate), Patient’s phenotype or family history highly specific for the disease (PP4_Strong)

Classification method: ACMG Guidelines [PMID:25741868] with modifications

Literature cited by the submitters: PubMed 27146977.

NM_000202.8(IDS):c.1525G>T (p.Glu509Ter)

Gene: IDS (iduronate 2-sulfatase; minus strand). Cytogenetic location: Xq28.
Variant type: single nucleotide variant.
Coding change: c.1525G>T on transcript NM_000202.8 (MANE Select); coding-DNA position 1525, G replaced by T.
Protein change: p.Glu509Ter; replaces glutamic acid 509 with a stop codon.
Molecular consequence: nonsense.
Genome position (GRCh38, 1-based): chrX:149,482,874, C>A on the plus strand (G>T on the coding strand, the complement: IDS is on the minus strand). VCF-style: chrX-149482874-C-A. GRCh37 (hg19) VCF-style: chrX-148564405-C-A.
Other names: c.1255G>T, p.Glu419Ter (NM_001166550.4); short protein forms E419*, E509*.
Identifiers: ClinVar variation 3256080 (VCV003256080.2).